The following is an entry in ClinVar:

NM_001848.3(COL6A1):c.2330_2351dup (p.Leu786fs)

Gene: COL6A1 (collagen type VI alpha 1 chain; plus strand). Cytogenetic location: 21q22.3.
Variant type: Duplication.
Coding change: c.2330_2351dup on transcript NM_001848.3 (MANE Select); coding-DNA positions 2330 to 2351, 22 bases duplicated (TGGCACCATCCCAGGGCCGGCC).
Protein change: p.Leu786fs; shifts the reading frame from leucine 786.
Molecular consequence: frameshift variant.
Genome position (GRCh38, 1-based): chr21:46,002,606-46,002,627, TGGCACCATCCCAGGGCCGGCC duplicated; duplicating any 22 consecutive bases within chr21:46,002,602-46,002,627 gives the same sequence; the c. name uses the placement nearest the transcript's 3' end. VCF-style (leftmost placement, unchanged base first): chr21-46002601-A-AGGCCTGGCACCATCCCAGGGCC. GRCh37 (hg19) VCF-style: chr21-47422515-A-AGGCCTGGCACCATCCCAGGGCC.
Other names: short protein forms L786fs.
Identifiers: ClinVar variation 1324136 (VCV001324136.6), dbSNP rs2123490954, ClinGen allele CA2573054954.

ClinVar aggregate classification (germline): Likely pathogenic (1 of 4 stars; one submission).

Conditions:
Bethlem myopathy 1A. Also called: MYOPATHY, BENIGN CONGENITAL, WITH CONTRACTURES; Bethlem Muscular Dystrophy; Bethlem myopathy 1. Identifiers: Orphanet 610, MedGen CN029274, MONDO:0024530, OMIM 158810.

Submission:

Labcorp Genetics (formerly Invitae), Labcorp
Classification: Likely pathogenic for Bethlem myopathy 1A. Last evaluated: 2022-11-24. Review status: criteria provided, single submitter. Criteria: Invitae Variant Classification Sherloc (09022015). Collection method: clinical testing. Allele origin: germline.
Comment: This variant has not been reported in the literature in individuals affected with COL6A1-related conditions. ClinVar contains an entry for this variant (Variation ID: 1324136). Algorithms developed to predict the effect of sequence changes on RNA splicing suggest that this variant may disrupt the consensus splice site. This variant disrupts the C-terminus of the COL6A1 protein. Other variant(s) that disrupt this region (p.Leu941Alafs*34) have been observed in individuals with COL6A1-related conditions (PMID: 33250842). This suggests that this may be a clinically significant region of the protein. In summary, the currently available evidence indicates that the variant is pathogenic, but additional data are needed to prove that conclusively. Therefore, this variant has been classified as Likely Pathogenic. This variant is not present in population databases (gnomAD no frequency). This sequence change creates a premature translational stop signal (p.Leu786Thrfs*51) in the COL6A1 gene. While this is not anticipated to result in nonsense mediated decay, it is expected to disrupt the last 243 amino acid(s) of the COL6A1 protein.

Literature cited by the submitters: PubMed 33250842.